The following is an entry in ClinVar:

ClinVar aggregate classification (germline): Likely benign. Review status: criteria provided, single submitter (1 of 4 stars). 2 submissions from 1 submitter: Likely benign (2). Last evaluated 2018-01-12.

Conditions:
Susceptibility to mononeuropathy of the median nerve, mild. Also called: CARPAL TUNNEL SYNDROME, SUSCEPTIBILITY TO. Identifiers: MedGen C3150596, MONDO:0013237, OMIM 613353.
Charcot-Marie-Tooth disease type 4C (CMT4C). Also called: CHARCOT-MARIE-TOOTH DISEASE, DEMYELINATING, AUTOSOMAL RECESSIVE, TYPE 4C; CMT 4C; Charcot-Marie-Tooth Neuropathy Type 4C (CMT4C); CHARCOT-MARIE-TOOTH DISEASE, DEMYELINATING, TYPE 4C; SH3TC2-Related Hereditary Motor and Sensory Neuropathy. Identifiers: Orphanet 99949, MedGen C1866636, MONDO:0011113, OMIM 601596.

Allele frequency attached by ClinVar (database versions not stated): 1000 Genomes Project 30x 0.00234; 1000 Genomes Project 0.00240; gnomAD 0.00798 and 0.00846; TOPMed 0.00802.
gnomAD v4.1: 1,240 of 152,272 alleles (0.81%); highest among the groups gnomAD compares: Non-Finnish European, 1.3%; 8 homozygotes.

Submissions (2):

Illumina Laboratory Services, Illumina
Classification: Likely benign for Charcot-Marie-Tooth disease type 4C. Last evaluated: 2018-01-12. Review status: criteria provided, single submitter. Criteria: ICSL Variant Classification Criteria 13 December 2019. Collection method: clinical testing. Allele origin: germline.
Comment: This variant was observed in the ICSL laboratory as part of a predisposition screen in an ostensibly healthy population. It had not been previously curated by ICSL or reported in the Human Gene Mutation Database (HGMD: prior to June 1st, 2018), and was therefore a candidate for classification through an automated scoring system. Utilizing variant allele frequency, disease prevalence and penetrance estimates, and inheritance mode, an automated score was calculated to assess if this variant is too frequent to cause the disease. Based on the score and internal cut-off values, a variant classified as likely benign is not then subjected to further curation. The score for this variant resulted in a classification of likely benign for this disease.

Illumina Laboratory Services, Illumina
Classification: Likely benign for Susceptibility to mononeuropathy of the median nerve, mild. Last evaluated: 2018-01-12. Review status: criteria provided, single submitter. Criteria: ICSL Variant Classification Criteria 13 December 2019. Collection method: clinical testing. Allele origin: germline.
Comment: the same text as in the submission from Illumina Laboratory Services, Illumina above.

NM_024577.4(SH3TC2):c.*12807G>A

Gene: SH3TC2 (SH3 domain and tetratricopeptide repeats 2; minus strand). Cytogenetic location: 5q32.
Variant type: single nucleotide variant.
Coding change: c.*12807G>A on transcript NM_024577.4 (MANE Select); 12807 bases downstream of the stop codon, G replaced by A.
Molecular consequence: 3 prime UTR variant.
Genome position (GRCh38, 1-based): chr5:148,991,904, C>T on the plus strand (G>A on the coding strand, the complement: SH3TC2 is on the minus strand). VCF-style: chr5-148991904-C-T. GRCh37 (hg19) VCF-style: chr5-148371467-C-T.
Identifiers: ClinVar variation 351675 (VCV000351675.5), dbSNP rs150317192, ClinGen allele CA10619463.